The following is an entry in ClinVar:

ClinVar aggregate classification (germline): Uncertain significance (1 of 4 stars; one submission).

Submission:

GeneDx
Classification: Uncertain significance. Last evaluated: 2025-04-17. Review status: criteria provided, single submitter. Criteria: GeneDx Variant Classification Process June 2021. Collection method: clinical testing. Allele origin: germline. Affected: yes.
Comment: Not observed at significant frequency in large population cohorts (gnomAD); In silico analysis indicates that this missense variant does not alter protein structure/function; Has not been previously published as pathogenic or benign to our knowledge

NM_022455.5(NSD1):c.2818G>C (p.Gly940Arg)

Gene: NSD1 (nuclear receptor binding SET domain protein 1; plus strand). Cytogenetic location: 5q35.3.
Variant type: single nucleotide variant.
Coding change: c.2818G>C on transcript NM_022455.5 (MANE Select); coding-DNA position 2818, G replaced by C.
Protein change: p.Gly940Arg; replaces glycine 940 with arginine.
Molecular consequence: missense variant.
Genome position (GRCh38, 1-based): chr5:177,211,217, G>C. VCF-style: chr5-177211217-G-C. GRCh37 (hg19) VCF-style: chr5-176638218-G-C.
Other names: c.1945G>C, p.Gly649Arg (NM_001365684.2, NM_001409306.1, NM_001409307.1 and 3 more transcripts); c.2818G>C, p.Gly940Arg (NM_001409301.1, NM_001409302.1, NM_001409303.1); c.2398G>C, p.Gly800Arg (NM_001409304.1); c.2065G>C, p.Gly689Arg (NM_001409305.1); short protein forms G649R, G689R, G800R, G940R.
Identifiers: ClinVar variation 4281943 (VCV004281943.1).